The following is an entry in ClinVar:

ClinVar aggregate classification (germline): Uncertain significance (1 of 4 stars; one submission).

Allele frequency attached by ClinVar (database versions not stated): TOPMed below 0.00001; gnomAD exomes 0.00001.

Submission:

Labcorp Genetics (formerly Invitae), Labcorp
Classification: Uncertain significance. Last evaluated: 2022-06-27. Review status: criteria provided, single submitter. Criteria: Invitae Variant Classification Sherloc (09022015). Collection method: clinical testing. Allele origin: germline.
Comment: In summary, the available evidence is currently insufficient to determine the role of this variant in disease. Therefore, it has been classified as a Variant of Uncertain Significance. This variant is not present in population databases (gnomAD no frequency). Algorithms developed to predict the effect of missense changes on protein structure and function are either unavailable or do not agree on the potential impact of this missense change (SIFT: "Deleterious"; PolyPhen-2: "Probably Damaging"; Align-GVGD: "Class C0"). This variant has not been reported in the literature in individuals affected with CCDC88A-related conditions. This sequence change replaces alanine, which is neutral and non-polar, with valine, which is neutral and non-polar, at codon 976 of the CCDC88A protein (p.Ala976Val).

NM_001365480.1(CCDC88A):c.2930C>T (p.Ala977Val)

Gene: CCDC88A (coiled-coil and HOOK domain protein 88A; minus strand). Cytogenetic location: 2p16.1.
Variant type: single nucleotide variant.
Coding change: c.2930C>T on transcript NM_001365480.1 (MANE Select); coding-DNA position 2930, C replaced by T.
Protein change: p.Ala977Val; replaces alanine 977 with valine.
Molecular consequence: missense variant.
Genome position (GRCh38, 1-based): chr2:55,328,361, G>A on the plus strand (C>T on the coding strand, the complement: CCDC88A is on the minus strand). VCF-style: chr2-55328361-G-A. GRCh37 (hg19) VCF-style: chr2-55555497-G-A.
Other names: c.2927C>T, p.Ala976Val (NM_001135597.2, NM_001254943.2); c.2930C>T, p.Ala977Val (NM_018084.5); short protein forms A976V, A977V.
Identifiers: ClinVar variation 1500136 (VCV001500136.8), dbSNP rs1684509976, ClinGen allele CA346895853.